The following is an entry in ClinVar:

NM_004655.4(AXIN2):c.*476_*487del

Gene: AXIN2 (axin 2; minus strand). Cytogenetic location: 17q24.1.
Variant type: Deletion.
Coding change: c.*476_*487del on transcript NM_004655.4 (MANE Select); 476 bases downstream of the stop codon through 487 bases downstream of the stop codon, 12 bases deleted (TGAGCTAGGAGT).
Molecular consequence: 3 prime UTR variant.
Genome position (GRCh38, 1-based): chr17:65,529,489-65,529,500, ACTCCTAGCTCA deleted on the plus strand (TGAGCTAGGAGT on the coding strand, the reverse complement: AXIN2 is on the minus strand); deleting any 12 consecutive bases within chr17:65,529,489-65,529,507 gives the same sequence; the c. name uses the placement nearest the transcript's 3' end. VCF-style (leftmost placement, unchanged base first): chr17-65529488-CACTCCTAGCTCA-C. GRCh37 (hg19) VCF-style: chr17-63525606-CACTCCTAGCTCA-C.
Other names: c.*476_*487del (NM_001363813.1).
Identifiers: ClinVar variation 2648106 (VCV002648106.24), dbSNP rs548756747, ClinGen allele CA293090507.

ClinVar aggregate classification (germline): Benign (1 of 4 stars; one submission).

Submission:

CeGaT Center for Human Genetics Tuebingen
Classification: Benign. Last evaluated: 2024-05-01. Review status: criteria provided, single submitter. Criteria: CeGaT Center For Human Genetics Tuebingen Variant Classification Criteria Version 2. Collection method: clinical testing. Allele origin: germline. Affected: yes. Observed: 5 variant alleles.
Comment: AXIN2: BS1, BS2